The following is an entry in ClinVar:

NM_007294.4(BRCA1):c.2038_2039insCC (p.Lys680fs)

Gene: BRCA1 (BRCA1 DNA repair associated; minus strand). Cytogenetic location: 17q21.31.
Variant type: Insertion.
Coding change: c.2038_2039insCC on transcript NM_007294.4 (MANE Select); coding-DNA positions 2038 to 2039, CC inserted.
Protein change: p.Lys680fs; shifts the reading frame from lysine 680.
Molecular consequence: frameshift variant. On other transcripts: intron variant (137).
Genome position: GRCh38 VCF-style: chr17-43093492-T-TGG. GRCh37 (hg19) VCF-style: chr17-41245509-T-TGG.
Other names: 2157insCC; c.1825_1826insCC, p.Lys609fs (NM_001407571.1, NM_001407853.1, NM_001407894.1 and 9 more transcripts); c.2038_2039insCC, p.Lys680fs (NM_001407581.1, NM_001407582.1, NM_001407583.1 and 30 more transcripts); c.2035_2036insCC, p.Lys679fs (NM_001407587.1, NM_001407590.1, NM_001407591.1 and 22 more transcripts); c.2029_2030insCC, p.Lys677fs (NM_001407646.1, NM_001407647.1); c.1915_1916insCC, p.Lys639fs (NM_001407648.1, NM_001407664.1, NM_001407665.1 and 19 more transcripts); c.1912_1913insCC, p.Lys638fs (NM_001407649.1, NM_001407670.1, NM_001407671.1 and 11 more transcripts); c.1960_1961insCC, p.Lys654fs (NM_001407653.1, NM_001407654.1, NM_001407655.1 and 4 more transcripts); and 41 more; short protein forms K633fs, K680fs, K591fs, K612fs, K654fs, K512fs, K568fs, K569fs.
Identifiers: ClinVar variation 125532 (VCV000125532.4), dbSNP rs80357940, ClinGen allele CA001354.

ClinVar aggregate classification (germline): Pathogenic. Review status: reviewed by expert panel (3 of 4 stars). 2 submissions from 2 submitters: Pathogenic (1). 1 of the submissions does not count toward it. Last evaluated 2016-09-08.

Conditions:
Breast-ovarian cancer, familial, susceptibility to, 1 (BROVCA1). Also called: BRCA1 Hereditary Breast and Ovarian Cancer; OVARIAN CANCER, SUSCEPTIBILITY TO. Identifiers: Orphanet 145, MedGen C2676676, MONDO:0011450, OMIM 604370. Disease mechanism: loss of function.

Submissions (2):

Evidence-based Network for the Interpretation of Germline Mutant Alleles (ENIGMA)
Classification: Pathogenic for Breast-ovarian cancer, familial, susceptibility to, 1. Last evaluated: 2016-09-08. Review status: reviewed by expert panel. Criteria: ENIGMA BRCA1/2 Classification Criteria (2015). Collection method: curation. Allele origin: germline.
Comment: Variant allele predicted to encode a truncated non-functional protein.

Breast Cancer Information Core (BIC) (BRCA1)
Classification: Pathogenic for Breast-ovarian cancer, familial 1. Last evaluated: 2006-07-19. Review status: no assertion criteria provided. Collection method: clinical testing. Allele origin: unknown. Affected: yes. Observed: 1 variant allele. Not counted in ClinVar's aggregate classification.